The following is an entry in ClinVar:

ClinVar aggregate classification (germline): Likely benign. Review status: criteria provided, multiple submitters, no conflicts (2 of 4 stars). 4 submissions from 4 submitters: Likely benign (4). Last evaluated 2026-01-19.

Conditions:
Inborn genetic diseases. Identifiers: MedGen C0950123, MeSH D030342.

Allele frequency attached by ClinVar (database versions not stated): ExAC 0.00002; gnomAD exomes 0.00005; TOPMed 0.00005; gnomAD 0.00008; ESP Exome Variant Server 0.00015.
gnomAD v4.1: 80 of 1,613,842 alleles (0.005%); highest among the groups gnomAD compares: South Asian, 0.0077%; no homozygotes.

Submissions (4):

Labcorp Genetics (formerly Invitae), Labcorp
Classification: Likely benign. Last evaluated: 2026-01-19. Review status: criteria provided, single submitter. Criteria: Invitae Variant Classification Sherloc (09022015). Collection method: clinical testing. Allele origin: germline.

Blueprint Genetics
Classification: Likely benign. Last evaluated: 2024-09-03. Review status: criteria provided, single submitter. Criteria: ACMG Guidelines, 2015. Collection method: clinical testing. Allele origin: germline.

CeGaT Center for Human Genetics Tuebingen
Classification: Likely benign. Last evaluated: 2022-07-01. Review status: criteria provided, single submitter. Criteria: CeGaT Center For Human Genetics Tuebingen Variant Classification Criteria Version 2. Collection method: clinical testing. Allele origin: germline. Affected: yes. Observed: 1 variant allele.
Comment: ERCC2: BP4, BP7

Ambry Genetics
Classification: Likely benign for Inborn genetic diseases. Last evaluated: 2022-02-13. Review status: criteria provided, single submitter. Criteria: Ambry Variant Classification Scheme 2023. Collection method: clinical testing. Allele origin: germline.

NM_000400.4(ERCC2):c.1452G>A (p.Thr484=)

Gene: ERCC2 (ERCC excision repair 2, TFIIH core complex helicase subunit; minus strand). Cytogenetic location: 19q13.32.
Variant type: single nucleotide variant.
Coding change: c.1452G>A on transcript NM_000400.4 (MANE Select); coding-DNA position 1452, G replaced by A.
Protein change: p.Thr484=; no amino-acid change (threonine 484 retained).
Molecular consequence: synonymous variant.
Genome position (GRCh38, 1-based): chr19:45,357,297, C>T on the plus strand (G>A on the coding strand, the complement: ERCC2 is on the minus strand). VCF-style: chr19-45357297-C-T. GRCh37 (hg19) VCF-style: chr19-45860555-C-T.
Identifiers: ClinVar variation 1772986 (VCV001772986.30), dbSNP rs139370246, ClinGen allele CA9513289.